The following is an entry in ClinVar:

ClinVar aggregate classification (germline): Uncertain significance (1 of 4 stars; one submission).

Allele frequency attached by ClinVar (database versions not stated): ExAC 0.00001; TOPMed 0.00001; gnomAD exomes 0.00002; ESP Exome Variant Server 0.00015.
gnomAD v4.1: 25 of 1,612,582 alleles (0.0016%); highest among the groups gnomAD compares: Middle Eastern, 0.017%; no homozygotes.

Submission:

Labcorp Genetics (formerly Invitae), Labcorp
Classification: Uncertain significance. Last evaluated: 2022-04-03. Review status: criteria provided, single submitter. Criteria: Invitae Variant Classification Sherloc (09022015). Collection method: clinical testing. Allele origin: germline.
Comment: This sequence change replaces isoleucine, which is neutral and non-polar, with threonine, which is neutral and polar, at codon 1455 of the FN1 protein (p.Ile1455Thr). This variant is present in population databases (rs148942343, gnomAD 0.003%). This variant has not been reported in the literature in individuals affected with FN1-related conditions. Algorithms developed to predict the effect of missense changes on protein structure and function are either unavailable or do not agree on the potential impact of this missense change (SIFT: "Not Available"; PolyPhen-2: "Possibly Damaging"; Align-GVGD: "Not Available"). In summary, the available evidence is currently insufficient to determine the role of this variant in disease. Therefore, it has been classified as a Variant of Uncertain Significance.

NM_212482.4(FN1):c.4364T>C (p.Ile1455Thr)

Gene: FN1 (fibronectin 1; minus strand). Cytogenetic location: 2q35.
Variant type: single nucleotide variant.
Coding change: c.4364T>C on transcript NM_212482.4 (MANE Select); coding-DNA position 4364, T replaced by C.
Protein change: p.Ile1455Thr; replaces isoleucine 1455 with threonine.
Molecular consequence: missense variant.
Genome position (GRCh38, 1-based): chr2:215,386,937, A>G on the plus strand (T>C on the coding strand, the complement: FN1 is on the minus strand). VCF-style: chr2-215386937-A-G. GRCh37 (hg19) VCF-style: chr2-216251660-A-G.
Other names: c.4364T>C, p.Ile1455Thr (NM_001306129.2, NM_001306130.2, NM_001365517.2 and 3 more transcripts); c.4091T>C, p.Ile1364Thr (NM_001306131.2, NM_001306132.2, NM_001365518.2 and 7 more transcripts); short protein forms I1364T, I1455T.
Identifiers: ClinVar variation 1921812 (VCV001921812.5), dbSNP rs148942343, ClinGen allele CA2094430.